The following is an entry in ClinVar:

NM_002303.6(LEPR):c.1209A>G (p.Gly403=)

Gene: LEPR (leptin receptor; plus strand). Cytogenetic location: 1p31.3.
Variant type: single nucleotide variant.
Coding change: c.1209A>G on transcript NM_002303.6 (MANE Select); coding-DNA position 1209, A replaced by G.
Protein change: p.Gly403=; no amino-acid change (glycine 403 retained).
Molecular consequence: synonymous variant.
Genome position (GRCh38, 1-based): chr1:65,601,606, A>G. VCF-style: chr1-65601606-A-G. GRCh37 (hg19) VCF-style: chr1-66067289-A-G.
Other names: c.1209A>G, p.Gly403= (NM_001003679.3, NM_001003680.3, NM_001198687.2 and 2 more transcripts).
Identifiers: ClinVar variation 3036953 (VCV003036953.3), dbSNP rs186348396, ClinGen allele CA894745.

ClinVar aggregate classification (germline): Likely benign. Review status: criteria provided, single submitter (1 of 4 stars). 2 submissions from 2 submitters: Likely benign (1). 1 of the submissions does not count toward it. Last evaluated 2025-08-02.

Conditions:
LEPR-related disorder. Also called: LEPR-related condition; LEPR-related disorders.

Allele frequency attached by ClinVar (database versions not stated): ExAC 0.00003; TOPMed 0.00003; gnomAD 0.00004; ESP Exome Variant Server 0.00008; 1000 Genomes Project 30x 0.00031; 1000 Genomes Project 0.00040.
gnomAD v4.1: 37 of 1,613,770 alleles (0.0023%); highest among the groups gnomAD compares: East Asian, 0.027%; no homozygotes.

Submissions (2):

Labcorp Genetics (formerly Invitae), Labcorp
Classification: Likely benign. Last evaluated: 2025-08-02. Review status: criteria provided, single submitter. Criteria: Invitae Variant Classification Sherloc (09022015). Collection method: clinical testing. Allele origin: germline.

PreventionGenetics, part of Exact Sciences
Classification: Likely benign for LEPR-related condition. Last evaluated: 2023-03-29. Review status: no assertion criteria provided. Collection method: clinical testing. Allele origin: germline. Not counted in ClinVar's aggregate classification.
Comment: This variant is classified as likely benign based on ACMG/AMP sequence variant interpretation guidelines (Richards et al. 2015 PMID: 25741868, with internal and published modifications).